The following is an entry in ClinVar:

NM_004964.3(HDAC1):c.494A>G (p.Lys165Arg)

Gene: HDAC1 (histone deacetylase 1; plus strand). Cytogenetic location: 1p35.1.
Variant type: single nucleotide variant.
Coding change: c.494A>G on transcript NM_004964.3 (MANE Select); coding-DNA position 494, A replaced by G.
Protein change: p.Lys165Arg; replaces lysine 165 with arginine.
Molecular consequence: missense variant.
Genome position (GRCh38, 1-based): chr1:32,327,077, A>G. VCF-style: chr1-32327077-A-G. GRCh37 (hg19) VCF-style: chr1-32792678-A-G.
Other names: short protein forms K165R.
Identifiers: ClinVar variation 4538289 (VCV004538289.1).

ClinVar aggregate classification (germline): Uncertain significance (1 of 4 stars; one submission).

Submission:

Greenwood Genetic Center Diagnostic Laboratories, Greenwood Genetic Center
Classification: Uncertain significance. Last evaluated: 2025-06-06. Review status: criteria provided, single submitter. Criteria: ACMG Guidelines, 2015. Collection method: clinical testing. Allele origin: germline. Affected: yes.
Comment: Gene of Uncertain Significance